The following is an entry in ClinVar:

NM_001378457.1(DMXL2):c.88-4_88-3dup

Gene: DMXL2 (Dmx like 2; minus strand). Cytogenetic location: 15q21.2.
Variant type: Duplication.
Coding change: c.88-4_88-3dup on transcript NM_001378457.1 (MANE Select); 4 bases into the intron before coding-DNA position 88 through 3 bases into the intron before coding-DNA position 88, 2 bases duplicated (TT; older notation c.88-4_88-3dupTT).
Molecular consequence: intron variant.
Genome position (GRCh38, 1-based): chr15:51,576,184-51,576,185, AA duplicated on the plus strand (TT on the coding strand, the reverse complement: DMXL2 is on the minus strand); duplicating any 2 consecutive bases within chr15:51,576,184-51,576,203 gives the same sequence; the c. name uses the placement nearest the transcript's 3' end. VCF-style (leftmost placement, unchanged base first): chr15-51576183-T-TAA. GRCh37 (hg19) VCF-style: chr15-51868380-T-TAA.
Other names: p.?; c.88-4_88-3dup (NM_001378460.1, NM_001174117.3, NM_015263.5 and 8 more transcripts); c.88-4_88-3dupTT (NM_001174116.1).
Identifiers: ClinVar variation 1641906 (VCV001641906.11), dbSNP rs3078066, ClinGen allele CA490511879.

ClinVar aggregate classification (germline): Benign/Likely benign. Review status: criteria provided, multiple submitters, no conflicts (2 of 4 stars). 4 submissions from 4 submitters: Benign (2); Likely benign (2). Last evaluated 2026-02-02.

Conditions:
DMXL2-related disorder. Also called: DMXL2-related condition.

Submissions (4):

Labcorp Genetics (formerly Invitae), Labcorp
Classification: Benign. Last evaluated: 2026-02-02. Review status: criteria provided, single submitter. Criteria: Invitae Variant Classification Sherloc (09022015). Collection method: clinical testing. Allele origin: germline.

PreventionGenetics, part of Exact Sciences
Classification: Likely benign for DMXL2-related condition. Last evaluated: 2025-05-29. Review status: criteria provided, single submitter. Criteria: ACMG Guidelines, 2015. Collection method: clinical testing. Allele origin: germline.
Comment: This variant is classified as likely benign based on ACMG/AMP sequence variant interpretation guidelines (Richards et al. 2015 PMID: 25741868, with internal and published modifications).

Mayo Clinic Laboratories, Mayo Clinic
Classification: Benign. Last evaluated: 2025-01-20. Review status: criteria provided, single submitter. Criteria: ACMG Guidelines, 2015. Collection method: clinical testing. Allele origin: germline. Observed: 7 variant alleles.
Comment: BA1, BP4, BP7

Blueprint Genetics
Classification: Likely benign. Last evaluated: 2024-11-27. Review status: criteria provided, single submitter. Criteria: ACMG Guidelines, 2015. Collection method: clinical testing. Allele origin: germline.